The following is an entry in ClinVar:

NM_012213.3(MLYCD):c.799-2A>G

Genes: MLYCD (malonyl-CoA decarboxylase; plus strand), LOC126862422 (CDK7 strongly-dependent group 2 enhancer GRCh37_chr16:83945234-83946433; plus strand). Cytogenetic location: 16q23.3.
Variant type: single nucleotide variant.
Coding change: c.799-2A>G on transcript NM_012213.3 (MANE Select); the canonical splice acceptor site of the intron before coding-DNA position 799, A replaced by G.
Molecular consequence: splice acceptor variant.
Genome position (GRCh38, 1-based): chr16:83,912,216, A>G. VCF-style: chr16-83912216-A-G. GRCh37 (hg19) VCF-style: chr16-83945821-A-G.
Identifiers: ClinVar variation 2770091 (VCV002770091.3), dbSNP rs201963260, ClinGen allele CA396919111.

ClinVar aggregate classification (germline): Likely pathogenic (1 of 4 stars; one submission).

Conditions:
Deficiency of malonyl-CoA decarboxylase. Also called: Malonic aciduria; MCD deficiency. Identifiers: Orphanet 943, MedGen C0342793, MONDO:0009556, OMIM 248360.

Submission:

Labcorp Genetics (formerly Invitae), Labcorp
Classification: Likely pathogenic for Deficiency of malonyl-CoA decarboxylase. Last evaluated: 2023-10-19. Review status: criteria provided, single submitter. Criteria: Invitae Variant Classification Sherloc (09022015). Collection method: clinical testing. Allele origin: germline.
Comment: This sequence change affects an acceptor splice site in intron 3 of the MLYCD gene. It is expected to disrupt RNA splicing. Variants that disrupt the donor or acceptor splice site typically lead to a loss of protein function (PMID: 16199547), and loss-of-function variants in MLYCD are known to be pathogenic (PMID: 12955715, 17186413). This variant is not present in population databases (gnomAD no frequency). This variant has not been reported in the literature in individuals affected with MLYCD-related conditions. Algorithms developed to predict the effect of sequence changes on RNA splicing suggest that this variant may disrupt the consensus splice site. In summary, the currently available evidence indicates that the variant is pathogenic, but additional data are needed to prove that conclusively. Therefore, this variant has been classified as Likely Pathogenic.

Literature cited by the submitters: PubMed 16199547; PubMed 12955715; PubMed 17186413.